The following is an entry in ClinVar:

NM_000053.4(ATP7B):c.4280A>G (p.Gln1427Arg)

Gene: ATP7B (ATPase copper transporting beta; minus strand). Cytogenetic location: 13q14.3.
Variant type: single nucleotide variant.
Coding change: c.4280A>G on transcript NM_000053.4 (MANE Select); coding-DNA position 4280, A replaced by G.
Protein change: p.Gln1427Arg; replaces glutamine 1427 with arginine.
Molecular consequence: missense variant.
Genome position (GRCh38, 1-based): chr13:51,934,874, T>C on the plus strand (A>G on the coding strand, the complement: ATP7B is on the minus strand). VCF-style: chr13-51934874-T-C. GRCh37 (hg19) VCF-style: chr13-52509010-T-C.
Other names: c.4136A>G, p.Gln1379Arg (NM_001406520.1, NM_001406521.1, NM_001406522.1); c.4097A>G, p.Gln1366Arg (NM_001406523.1); c.4103A>G, p.Gln1368Arg (NM_001406524.1); c.4085A>G, p.Gln1362Arg (NM_001406525.1); c.4076A>G, p.Gln1359Arg (NM_001406526.1); c.4046A>G, p.Gln1349Arg (NM_001406527.1, NM_001406528.1, NM_001330578.2); c.4040A>G, p.Gln1347Arg (NM_001406530.1); c.3659A>G, p.Gln1220Arg (NM_001005918.3); and 21 more; short protein forms Q1200R, Q1233R, Q1284R, Q1301R, Q1343R, Q1349R, Q1362R, Q1379R.
Identifiers: ClinVar variation 2166007 (VCV002166007.5), dbSNP rs1317653851, ClinGen allele CA388019221.
Genomic context (GRCh38, chr13:51,934,874, plus strand): 5'-TCGTCTGCTGCAGCGCTGTGCCGAGATGGCTTGTCGGACGTCAGGGAGGACAGCGACACC[T>C]GGCTGACATAGCTGACCTGGTCCCATGGTGTGGCCCTGGGGGAGTCCCGCCACCTGTCAT-3'
Protein context (NP_000044.2, residues 1417-1437): TPWDQVSYVS[Gln1427Arg]VSLSSLTSDK

ClinVar aggregate classification (germline): Uncertain significance. Review status: criteria provided, multiple submitters, no conflicts (2 of 4 stars). 2 submissions from 2 submitters: Uncertain significance (2). Last evaluated 2023-04-27.

Conditions:
Wilson disease (WND). Also called: Wilson's disease. Identifiers: Orphanet 905, MedGen C0019202, MONDO:0010200, OMIM 277900. Disease mechanism: loss of function.

Allele frequency attached by ClinVar (database versions not stated): gnomAD exomes below 0.00001; gnomAD 0.00001; TOPMed 0.00001.

Submissions (2):

All of Us Research Program, National Institutes of Health
Classification: Uncertain significance for Wilson disease. Last evaluated: 2023-04-27. Review status: criteria provided, single submitter. Criteria: ACMG Guidelines, 2015. Collection method: clinical testing. Allele origin: germline. Inheritance: Autosomal recessive inheritance. Observed: 1 variant allele, 1 heterozygote.
Comment: This study involves interpretation of variants in research participants for the purpose of population health screening. Participant phenotype was not available at the time of variant classification. Additional details can be found in publication PMID: 35346344, PMCID: PMC8962531

Labcorp Genetics (formerly Invitae), Labcorp
Classification: Uncertain significance for Wilson disease. Last evaluated: 2022-04-18. Review status: criteria provided, single submitter. Criteria: Invitae Variant Classification Sherloc (09022015). Collection method: clinical testing. Allele origin: germline.
Comment: In summary, the available evidence is currently insufficient to determine the role of this variant in disease. Therefore, it has been classified as a Variant of Uncertain Significance. Advanced modeling of protein sequence and biophysical properties (such as structural, functional, and spatial information, amino acid conservation, physicochemical variation, residue mobility, and thermodynamic stability) performed at Invitae indicates that this missense variant is not expected to disrupt ATP7B protein function. This variant has not been reported in the literature in individuals affected with ATP7B-related conditions. This variant is not present in population databases (gnomAD no frequency). This sequence change replaces glutamine, which is neutral and polar, with arginine, which is basic and polar, at codon 1427 of the ATP7B protein (p.Gln1427Arg).